The following is an entry in ClinVar:

NM_000548.5(TSC2):c.437T>C (p.Leu146Pro)

Gene: TSC2 (TSC complex subunit 2; plus strand). Cytogenetic location: 16p13.3.
Variant type: single nucleotide variant.
Coding change: c.437T>C on transcript NM_000548.5 (MANE Select); coding-DNA position 437, T replaced by C.
Protein change: p.Leu146Pro; replaces leucine 146 with proline.
Molecular consequence: missense variant. On other transcripts: intron variant (1).
Genome position (GRCh38, 1-based): chr16:2,054,396, T>C. VCF-style: chr16-2054396-T-C. GRCh37 (hg19) VCF-style: chr16-2104397-T-C.
Other names: c.437T>C, p.Leu146Pro (NM_001077183.3, NM_001114382.3, NM_001363528.2 and 8 more transcripts); c.326T>C, p.Leu109Pro (NM_001318827.2, NM_001406670.1, NM_001406678.1); c.290T>C, p.Leu97Pro (NM_001318829.2, NM_001406675.1, NM_001406676.1 and 1 more transcripts); c.470T>C, p.Leu157Pro (NM_001318832.2); c.527T>C, p.Leu176Pro (NM_001406667.1, NM_001406668.1); c.-380T>C (NM_001406687.1, NM_001406680.1, NM_001406683.1); c.-995T>C (NM_001406689.1, NM_001406690.1, NM_001406691.1 and 2 more transcripts); c.-1211T>C (NM_001406693.1); and 6 more; short protein forms L127P, L146P, L157P, L176P, L109P, L97P.
Identifiers: ClinVar variation 2133408 (VCV002133408.5), dbSNP rs397514996, ClinGen allele CA394308339.

ClinVar aggregate classification (germline): Conflicting classifications of pathogenicity. Review status: criteria provided, conflicting classifications (1 of 4 stars). 2 submissions from 2 submitters: Likely pathogenic (1); Uncertain significance (1). Last evaluated 2022-05-04.

Conditions:
Tuberous sclerosis 2 (TSC2). Identifiers: Orphanet 805, MedGen C1860707, MONDO:0013199, OMIM 613254.

Submissions (2):

Labcorp Genetics (formerly Invitae), Labcorp
Classification: Uncertain significance for Tuberous sclerosis 2. Last evaluated: 2022-05-04. Review status: criteria provided, single submitter. Criteria: Invitae Variant Classification Sherloc (09022015). Collection method: clinical testing. Allele origin: germline.
Comment: This sequence change replaces leucine, which is neutral and non-polar, with proline, which is neutral and non-polar, at codon 146 of the TSC2 protein (p.Leu146Pro). This variant is not present in population databases (gnomAD no frequency). This variant has not been reported in the literature in individuals affected with TSC2-related conditions. Algorithms developed to predict the effect of missense changes on protein structure and function are either unavailable or do not agree on the potential impact of this missense change (SIFT: "Deleterious"; PolyPhen-2: "Probably Damaging"; Align-GVGD: "Class C0"). In summary, the available evidence is currently insufficient to determine the role of this variant in disease. Therefore, it has been classified as a Variant of Uncertain Significance.

Molecular Genetics Department, Kulakov National Medical Research Center for Obstetrics, Gynecology and Perinatology
Classification: Likely pathogenic for Tuberous sclerosis 2. Review status: criteria provided, single submitter. Criteria: ACMG Guidelines, 2015. Collection method: clinical testing. Allele origin: germline. Affected: yes. Observed: 1 variant allele.
Comment: A previously undescribed heterozygous nucleotide variant creates a missense p.Leu146Pro in the TSC2 gene. Heterozygous variants are reported in patients with tuberous sclerosis-2, 613254. The variant is not present in population database (gnomAD no frequency). In summary, the currently available evidence indicates that the variant is pathogenic, but additional data are needed to prove that conclusively. Therefore, this variant has been classified as likely pathogenic.